The following is an entry in ClinVar:

NM_006946.4(SPTBN2):c.6255AAAGAG[1] (p.2086KR[1])

Gene: SPTBN2 (spectrin beta, non-erythrocytic 2; minus strand). Cytogenetic location: 11q13.2.
Variant type: Microsatellite.
Coding change: c.6255AAAGAG[1] on transcript NM_006946.4 (MANE Select); one copy of the 6-base unit AAAGAG starting at c.6255; the reference has two copies in a row; one copy, 6 bases deleted; also written c.6261_6266del.
Protein change: p.2086KR[1].
Molecular consequence: inframe deletion. On other transcripts: inframe indel (1).
Genome position (GRCh38, 1-based): chr11:66,688,277-66,688,282, CTCTTT deleted on the plus strand (AAAGAG on the coding strand, the reverse complement: SPTBN2 is on the minus strand); deleting any 6 consecutive bases within chr11:66,688,277-66,688,289 gives the same sequence; the position shown is the placement nearest the transcript's 3' end. VCF-style (leftmost placement, unchanged base first): chr11-66688276-CCTCTTT-C. GRCh37 (hg19) VCF-style: chr11-66455747-CCTCTTT-C.
Other names: c.6275_6280GAAAGA[1], p.Lys2095_Arg2096del (NM_001411025.1); c.6261_6266del (NM_006946.2).
Identifiers: ClinVar variation 1953606 (VCV001953606.6), dbSNP rs758585415, ClinGen allele CA6127997.

ClinVar aggregate classification (germline): Uncertain significance. Review status: criteria provided, multiple submitters, no conflicts (2 of 4 stars). 2 submissions from 2 submitters: Uncertain significance (2). Last evaluated 2025-08-05.

Submissions (2):

Athena Diagnostics
Classification: Uncertain significance. Last evaluated: 2025-08-05. Review status: criteria provided, single submitter. Criteria: Athena Diagnostics Criteria. Collection method: clinical testing. Allele origin: unknown.
Comment: Available data are insufficient to determine the clinical significance of the variant at this time. The frequency of this variant in the general population is uninformative in assessment of its pathogenicity. Computational tools yielded predictions that this variant is unlikely to have an effect on normal RNA splicing.

Labcorp Genetics (formerly Invitae), Labcorp
Classification: Uncertain significance. Last evaluated: 2024-10-28. Review status: criteria provided, single submitter. Criteria: Invitae Variant Classification Sherloc (09022015). Collection method: clinical testing. Allele origin: germline.
Comment: This variant, c.6261_6266del, results in the deletion of 2 amino acid(s) of the SPTBN2 protein (p.Lys2088_Arg2089del), but otherwise preserves the integrity of the reading frame. This variant is present in population databases (rs758585415, gnomAD 0.007%). This variant has not been reported in the literature in individuals affected with SPTBN2-related conditions. Experimental studies and prediction algorithms are not available or were not evaluated, and the functional significance of this variant is currently unknown. In summary, the available evidence is currently insufficient to determine the role of this variant in disease. Therefore, it has been classified as a Variant of Uncertain Significance.